The following is an entry in ClinVar:

ClinVar aggregate classification (germline): Uncertain significance (1 of 4 stars; one submission).

Conditions:
Dilated cardiomyopathy 1O (CMD1O). Also called: CARDIOMYOPATHY, DILATED, WITH VENTRICULAR TACHYCARDIA. Identifiers: Orphanet 154, MedGen C1837839, MONDO:0012062, OMIM 608569.

Submission:

Labcorp Genetics (formerly Invitae), Labcorp
Classification: Uncertain significance for Dilated cardiomyopathy 1O. Last evaluated: 2024-02-29. Review status: criteria provided, single submitter. Criteria: Invitae Variant Classification Sherloc (09022015). Collection method: clinical testing. Allele origin: germline.
Comment: This sequence change replaces glycine, which is neutral and non-polar, with alanine, which is neutral and non-polar, at codon 1514 of the ABCC9 protein (p.Gly1514Ala). This variant is not present in population databases (gnomAD no frequency). This variant has not been reported in the literature in individuals affected with ABCC9-related conditions. Advanced modeling of protein sequence and biophysical properties (such as structural, functional, and spatial information, amino acid conservation, physicochemical variation, residue mobility, and thermodynamic stability) performed at Invitae indicates that this missense variant is not expected to disrupt ABCC9 protein function with a negative predictive value of 95%. In summary, the available evidence is currently insufficient to determine the role of this variant in disease. Therefore, it has been classified as a Variant of Uncertain Significance.

NM_020297.4(ABCC9):c.4512+715G>C

Genes: ABCC9 (ATP binding cassette subfamily C member 9; minus strand), KCNJ8-AS1 (KCNJ8 antisense RNA 1; plus strand). Cytogenetic location: 12p12.1.
Variant type: single nucleotide variant.
Coding change: c.4512+715G>C on transcript NM_020297.4 (MANE Select); 715 bases into the intron after coding-DNA position 4512, G replaced by C.
Molecular consequence: intron variant. On other transcripts: missense variant (1).
Genome position (GRCh38, 1-based): chr12:21,805,283, C>G on the plus strand (G>C on the coding strand, the complement: ABCC9 is on the minus strand). VCF-style: chr12-21805283-C-G. GRCh37 (hg19) VCF-style: chr12-21958217-C-G.
Other names: c.4541G>C, p.Gly1514Ala (NM_005691.4); c.3645+715G>C (NM_001377274.1); c.4512+715G>C (NM_001377273.1); short protein forms G1514A.
Identifiers: ClinVar variation 3708895 (VCV003708895.2).